The following is an entry in ClinVar:

ClinVar aggregate classification (germline): Uncertain significance (1 of 4 stars; one submission).

Conditions:
H syndrome. Also called: HISTIOCYTOSIS AND LYMPHADENOPATHY WITH OR WITHOUT CUTANEOUS, CARDIAC, AND/OR ENDOCRINE FEATURES, JOINT CONTRACTURES, AND/OR DEAFNESS; HYPERPIGMENTATION, CUTANEOUS, WITH HYPERTRICHOSIS, HEPATOSPLENOMEGALY, HEART ANOMALIES, AND HYPOGONADISM WITH OR WITHOUT HEARING LOSS; PIGMENTED HYPERTRICHOSIS WITH INSULIN-DEPENDENT DIABETES MELLITUS; ROSAI-DORFMAN DISEASE, FAMILIAL; SINUS HISTIOCYTOSIS AND MASSIVE LYMPHADENOPATHY; Hyperpigmentation, Cutaneous, with Hypertrichosis, Hepatosplenomegaly, Heart Anomalies, Hearing Loss, and Hypogonadism. Identifiers: Orphanet 168569, MedGen C1864445, MONDO:0011273, OMIM 602782.

Allele frequency attached by ClinVar (database versions not stated): gnomAD exomes 0.00001 and 0.00002; ExAC 0.00003; gnomAD 0.00006; TOPMed 0.00008; ESP Exome Variant Server 0.00015; 1000 Genomes Project 30x 0.00016; 1000 Genomes Project 0.00020.
gnomAD v4.1: 35 of 1,613,276 alleles (0.0022%); highest among the groups gnomAD compares: African/African-American, 0.028%; no homozygotes.

Submission:

Labcorp Genetics (formerly Invitae), Labcorp
Classification: Uncertain significance for H syndrome. Last evaluated: 2025-07-21. Review status: criteria provided, single submitter. Criteria: Invitae Variant Classification Sherloc (09022015). Collection method: clinical testing. Allele origin: germline.
Comment: This sequence change replaces alanine, which is neutral and non-polar, with valine, which is neutral and non-polar, at codon 257 of the SLC29A3 protein (p.Ala257Val). This variant is present in population databases (rs148164425, gnomAD 0.01%). This variant has not been reported in the literature in individuals affected with SLC29A3-related conditions. ClinVar contains an entry for this variant (Variation ID: 950014). Invitae Evidence Modeling of protein sequence and biophysical properties (such as structural, functional, and spatial information, amino acid conservation, physicochemical variation, residue mobility, and thermodynamic stability) indicates that this missense variant is not expected to disrupt SLC29A3 protein function with a negative predictive value of 80%. In summary, the available evidence is currently insufficient to determine the role of this variant in disease. Therefore, it has been classified as a Variant of Uncertain Significance.

NM_018344.6(SLC29A3):c.770C>T (p.Ala257Val)

Gene: SLC29A3 (solute carrier family 29 member 3; plus strand). Cytogenetic location: 10q22.1.
Variant type: single nucleotide variant.
Coding change: c.770C>T on transcript NM_018344.6 (MANE Select); coding-DNA position 770, C replaced by T.
Protein change: p.Ala257Val; replaces alanine 257 with valine.
Molecular consequence: missense variant. On other transcripts: non-coding transcript variant (2).
Genome position (GRCh38, 1-based): chr10:71,356,240, C>T. VCF-style: chr10-71356240-C-T. GRCh37 (hg19) VCF-style: chr10-73115997-C-T.
Other names: c.770C>T, p.Ala257Val (NM_001174098.2); c.536C>T, p.Ala179Val (NM_001363518.2); short protein forms A257V, A179V.
Identifiers: ClinVar variation 950014 (VCV000950014.5), dbSNP rs148164425, ClinGen allele CA5543039.
Genomic context (GRCh38, chr10:71,356,240, plus strand): 5'-CCACTGTCTTCCTCGTGCTCTGCATGGGACTCTACCTGCTGCTGTCCAGGCTGGAGTATG[C>T]CAGGTGAAGGTGCCACTCACTGTCCATGCCTCCTTCCTGTGTATCCAGTTATAGCCATGC-3'
Protein context (NP_060814.4, residues 247-267): LYLLLSRLEY[Ala257Val]RYYMRPVLAA